The following is an entry in ClinVar:

ClinVar aggregate classification (germline): Uncertain significance (1 of 4 stars; one submission).

Conditions:
GNAS-related disorder. Identifiers: MedGen CN380105.

gnomAD v4.1: 2 of 1,605,472 alleles (0.00012%); highest among the groups gnomAD compares: African/African-American, 0.0013%; no homozygotes.

Submission:

PreventionGenetics, part of Exact Sciences
Classification: Uncertain significance for GNAS-related condition. Last evaluated: 2026-06-20. Review status: criteria provided, single submitter. Criteria: ACMG Guidelines, 2015. Collection method: clinical testing. Allele origin: germline.
Comment: The GNAS c.635A>C variant is predicted to result in the amino acid substitution p.Glu212Ala. To our knowledge, this variant has not been reported in the literature or in a large population database (gnomAD), indicating this variant is rare. At this time, the clinical significance of this variant is uncertain due to the absence of conclusive functional and genetic evidence.

NM_016592.5(GNAS):c.635A>C (p.Glu212Ala)

Genes: GNAS (GNAS complex locus; plus strand), GNAS-AS1 (GNAS antisense RNA 1; minus strand). Cytogenetic location: 20q13.32.
Variant type: single nucleotide variant.
Coding change: c.635A>C on transcript NM_016592.5 (MANE Plus Clinical); coding-DNA position 635, A replaced by C.
Protein change: p.Glu212Ala; replaces glutamic acid 212 with alanine.
Molecular consequence: missense variant. On other transcripts: 5 prime UTR variant (1).
Genome position (GRCh38, 1-based): chr20:58,840,741, A>C. VCF-style: chr20-58840741-A-C. GRCh37 (hg19) VCF-style: chr20-57415796-A-C.
Other names: c.-103A>C (NM_001410912.1); short protein forms E212A.
Identifiers: ClinVar variation 4986108 (VCV004986108.1).
Genomic context (GRCh38, chr20:58,840,741, plus strand): 5'-AGGAGCTCAAGCCCGAGGACAAAGATCCAAGGGACCCCGAAGAGTCGAAGGAGCCCAAGG[A>C]GGAGAAGCAGCGGCGTCGCTGCAAGCCAAAGAAGCCCACCCGCCGTGACGCGTCCCCGGA-3'
Protein context (NP_057676.1, residues 202-222): RDPEESKEPK[Glu212Ala]EKQRRRCKPK